The following is an entry in ClinVar:

ClinVar aggregate classification (germline): Uncertain significance (1 of 4 stars; one submission).

Submission:

Laboratory for Molecular Medicine, Mass General Brigham Personalized Medicine
Classification: Uncertain significance. Last evaluated: 2015-01-29. Review status: criteria provided, single submitter. Criteria: LMM Criteria. Collection method: clinical testing. Allele origin: germline. Observed: 1 variant allele.
Comment: The p.Pro83Ser variant in TMIE has not been previously reported in individuals w ith hearing loss or in large population studies. Computational prediction tools and conservation analyses suggest that the p.Pro83Ser variant may impact the pro tein, though this information is not predictive enough to determine pathogenicit y. In summary, the clinical significance of the p.Pro83Ser variant is uncertain.

NM_147196.3(TMIE):c.247C>T (p.Pro83Ser)

Gene: TMIE (transmembrane inner ear; plus strand). Cytogenetic location: 3p21.31.
Variant type: single nucleotide variant.
Coding change: c.247C>T on transcript NM_147196.3 (MANE Select); coding-DNA position 247, C replaced by T.
Protein change: p.Pro83Ser; replaces proline 83 with serine.
Molecular consequence: missense variant.
Genome position (GRCh38, 1-based): chr3:46,709,161, C>T. VCF-style: chr3-46709161-C-T. GRCh37 (hg19) VCF-style: chr3-46750651-C-T.
Other names: c.88C>T, p.Pro30Ser (NM_001370524.1, NM_001370525.1); short protein forms P83S, P30S.
Identifiers: ClinVar variation 229316 (VCV000229316.5), dbSNP rs876658019, ClinGen allele CA10576623.
Genomic context (GRCh38, chr3:46,709,161, plus strand): 5'-CAAGCCTGCTCTGTCCTCCCTACAGTCATCACGCTGTGCTGTGTCTTCAACTGTCGTGTG[C>T]CACGGACCCGGAAGGAGATCGAAGCCCGGTACCTGCAGCGAAAGGCAGCCAAGATGTACA-3'
Protein context (NP_671729.2, residues 73-93): TLCCVFNCRV[Pro83Ser]RTRKEIEARY